The following is an entry in ClinVar:

ClinVar aggregate classification (germline): Uncertain significance (1 of 4 stars; one submission).

Conditions:
RASopathy. Also called: rasopathies; Noonan spectrum disorder. Identifiers: Orphanet 536391, MedGen C5555857, MONDO:0021060.

Submission:

Labcorp Genetics (formerly Invitae), Labcorp
Classification: Uncertain significance for RASopathy. Last evaluated: 2025-07-13. Review status: criteria provided, single submitter. Criteria: Invitae Variant Classification Sherloc (09022015). Collection method: clinical testing. Allele origin: germline.
Comment: This sequence change replaces serine, which is neutral and polar, with cysteine, which is neutral and slightly polar, at codon 126 of the BRAF protein (p.Ser126Cys). This variant is not present in population databases (gnomAD no frequency). This variant has not been reported in the literature in individuals affected with BRAF-related conditions. Invitae Evidence Modeling of protein sequence and biophysical properties (such as structural, functional, and spatial information, amino acid conservation, physicochemical variation, residue mobility, and thermodynamic stability) has been performed for this missense variant. However, the output from this modeling did not meet the statistical confidence thresholds required to predict the impact of this variant on BRAF protein function. In summary, the available evidence is currently insufficient to determine the role of this variant in disease. Therefore, it has been classified as a Variant of Uncertain Significance.

NM_004333.6(BRAF):c.377C>G (p.Ser126Cys)

Gene: BRAF (B-Raf proto-oncogene, serine/threonine kinase; minus strand). Cytogenetic location: 7q34.
Variant type: single nucleotide variant.
Coding change: c.377C>G on transcript NM_004333.6 (MANE Select); coding-DNA position 377, C replaced by G.
Protein change: p.Ser126Cys; replaces serine 126 with cysteine.
Molecular consequence: missense variant. On other transcripts: intron variant (1).
Genome position (GRCh38, 1-based): chr7:140,834,736, G>C on the plus strand (C>G on the coding strand, the complement: BRAF is on the minus strand). VCF-style: chr7-140834736-G-C. GRCh37 (hg19) VCF-style: chr7-140534536-G-C.
Other names: c.377C>G, p.Ser126Cys (NM_001354609.2, NM_001374244.1, NM_001374258.1 and 5 more transcripts); c.275C>G, p.Ser92Cys (NM_001378470.1); c.221C>G, p.Ser74Cys (NM_001378472.1, NM_001378473.1); c.240+15375C>G (NM_001378475.1); short protein forms S126C, S92C, S74C.
Identifiers: ClinVar variation 4744454 (VCV004744454.1).